The following is an entry in ClinVar:

NM_001369.3(DNAH5):c.3598+1del

Genes: DNAH5 (dynein axonemal heavy chain 5; minus strand), DNAH5-AS1 (DNAH5 antisense RNA 1; plus strand). Cytogenetic location: 5p15.2.
Variant type: Deletion.
Coding change: c.3598+1del on transcript NM_001369.3 (MANE Select); the canonical splice donor site of the intron after coding-DNA position 3598, one base deleted (G; older notation c.3598+1delG).
Molecular consequence: splice donor variant.
Genome position (GRCh38, 1-based): chr5:13,871,563, C deleted on the plus strand (G on the coding strand, the reverse complement: DNAH5 is on the minus strand); the first of 2 consecutive C bases (chr5:13,871,563-13,871,564); deleting either gives the same sequence. VCF-style (leftmost placement, unchanged base first): chr5-13871562-AC-A. GRCh37 (hg19) VCF-style: chr5-13871671-AC-A.
Identifiers: ClinVar variation 4814882 (VCV004814882.1).

ClinVar aggregate classification (germline): Likely pathogenic (1 of 4 stars; one submission).

Conditions:
Primary ciliary dyskinesia. Also called: Ciliary dyskinesia. Identifiers: Orphanet 244, MedGen C0008780, MONDO:0016575, HP:0012265.

Submission:

Natera, Inc.
Classification: Likely pathogenic for Primary ciliary dyskinesia. Last evaluated: 2024-05-30. Review status: criteria provided, single submitter. Criteria: Natera Variant Classification Schema (03/2026). Collection method: clinical testing. Allele origin: germline.
Comment: The c.3598+1del variant in DNAH5 is a canonical splice donor site variant predicted to affect pre-mRNA splicing, which may result in an abnormal transcript and altered protein product. This variant is expected to result in nonsense mediated decay, truncation, or a dysfunctional protein product. This variant is rare in the general population with a frequency below the threshold expected for the associated phenotype(s). Given the available evidence, this variant is classified as Likely Pathogenic.